The following is an entry in ClinVar:

NM_014712.3(SETD1A):c.1145A>G (p.Tyr382Cys)

Gene: SETD1A (SET domain containing 1A, histone lysine methyltransferase; plus strand). Cytogenetic location: 16p11.2.
Variant type: single nucleotide variant.
Coding change: c.1145A>G on transcript NM_014712.3 (MANE Select); coding-DNA position 1145, A replaced by G.
Protein change: p.Tyr382Cys; replaces tyrosine 382 with cysteine.
Molecular consequence: missense variant.
Genome position (GRCh38, 1-based): chr16:30,964,887, A>G. VCF-style: chr16-30964887-A-G. GRCh37 (hg19) VCF-style: chr16-30976208-A-G.
Other names: short protein forms Y382C.
Identifiers: ClinVar variation 3063834 (VCV003063834.1), dbSNP rs747180736, ClinGen allele CA8016609.

ClinVar aggregate classification (germline): Uncertain significance (1 of 4 stars; one submission).

Allele frequency attached by ClinVar (database versions not stated): ExAC 0.00001.
gnomAD v4.1: 7 of 1,614,028 alleles (0.00043%); highest among the groups gnomAD compares: East Asian, 0.0022%; no homozygotes.

Submission:

Women's Health and Genetics/Laboratory Corporation of America, LabCorp
Classification: Uncertain significance. Last evaluated: 2024-01-10. Review status: criteria provided, single submitter. Criteria: LabCorp Variant Classification Summary - May 2015. Collection method: clinical testing. Allele origin: germline.
Comment: Variant summary: SETD1A c.1145A>G (p.Tyr382Cys) results in a non-conservative amino acid change in the encoded protein sequence. Five of five in-silico tools predict a damaging effect of the variant on protein function. The variant allele was found at a frequency of 1.2e-05 in 251446 control chromosomes (gnomAD). The available data on variant occurrences in the general population are insufficient to allow any conclusion about variant significance. To our knowledge, no occurrence of c.1145A>G in individuals affected with Neurodevelopmental Disorder With Speech Impairment And Dysmorphic Facies and no experimental evidence demonstrating its impact on protein function have been reported. No submitters have cited clinical-significance assessments for this variant to ClinVar. Based on the evidence outlined above, the variant was classified as uncertain significance.